The following is an entry in ClinVar:

ClinVar aggregate classification (germline): Likely pathogenic (1 of 4 stars; one submission).

Conditions:
Thyroid dyshormonogenesis 6 (TDH6). Also called: HYPOTHYROIDISM, CONGENITAL, DUE TO DYSHORMONOGENESIS, 6; THYROID HORMONOGENESIS, GENETIC DEFECT IN, 6; Genetic transient congenital hypothyroidism. Identifiers: Orphanet 226316, Orphanet 95716, MedGen C1846632, MONDO:0011792, OMIM 607200.

Submission:

Juno Genomics, Hangzhou Juno Genomics, Inc
Classification: Likely pathogenic for Thyroid dyshormonogenesis 6. Review status: criteria provided, single submitter. Criteria: ACMG Guidelines, 2015. Collection method: clinical testing. Allele origin: germline. Affected: yes.
Comment: Absent from controls (or at extremely low frequency if recessive) in Genome Aggregation Database, Exome Sequencing Project, 1000 Genomes Project, or Exome Aggregation Consortium.;Null variant in a gene where loss of function (LOF) is a known mechanism of disease.

NM_001363711.2(DUOX2):c.647_656delinsTTTCCCCCGAGACTC (p.Gln216fs)

Gene: DUOX2 (dual oxidase 2; minus strand). Cytogenetic location: 15q21.1.
Variant type: Indel.
Coding change: c.647_656delinsTTTCCCCCGAGACTC on transcript NM_001363711.2 (MANE Select); coding-DNA positions 647 to 656, AGAACCCCCT replaced by TTTCCCCCGAGACTC.
Protein change: p.Gln216fs; shifts the reading frame from glutamine 216.
Molecular consequence: frameshift variant.
Genome position (GRCh38, 1-based): chr15:45,111,443-45,111,452, AGGGGGTTCT replaced by GAGTCTCGGGGGAAA on the plus strand (AGAACCCCCT replaced by TTTCCCCCGAGACTC on the coding strand, the reverse complement: DUOX2 is on the minus strand). VCF-style: chr15-45111443-AGGGGGTTCT-GAGTCTCGGGGGAAA. GRCh37 (hg19) VCF-style: chr15-45403641-AGGGGGTTCT-GAGTCTCGGGGGAAA.
Other names: c.647_656delinsTTTCCCCCGAGACTC, p.Gln216fs (NM_014080.5); short protein forms Q216fs.
Identifiers: ClinVar variation 4531211 (VCV004531211.2).